The following is an entry in ClinVar:

ClinVar aggregate classification (germline): Uncertain significance (1 of 4 stars; one submission).

Conditions:
Immunodeficiency 39 (IMD39). Identifiers: Orphanet 574918, MedGen C4225358, MONDO:0014597, OMIM 616345.

Allele frequency attached by ClinVar (database versions not stated): gnomAD 0.00001.

Submission:

Labcorp Genetics (formerly Invitae), Labcorp
Classification: Uncertain significance for Immunodeficiency 39. Last evaluated: 2025-05-12. Review status: criteria provided, single submitter. Criteria: Invitae Variant Classification Sherloc (09022015). Collection method: clinical testing. Allele origin: germline.
Comment: This sequence change replaces arginine, which is basic and polar, with tryptophan, which is neutral and slightly polar, at codon 139 of the IRF7 protein (p.Arg139Trp). This variant is not present in population databases (gnomAD no frequency). This variant has not been reported in the literature in individuals affected with IRF7-related conditions. ClinVar contains an entry for this variant (Variation ID: 2063375). Invitae Evidence Modeling of protein sequence and biophysical properties (such as structural, functional, and spatial information, amino acid conservation, physicochemical variation, residue mobility, and thermodynamic stability) indicates that this missense variant is not expected to disrupt IRF7 protein function with a negative predictive value of 80%. In summary, the available evidence is currently insufficient to determine the role of this variant in disease. Therefore, it has been classified as a Variant of Uncertain Significance.

NM_001572.5(IRF7):c.376C>T (p.Arg126Trp)

Gene: IRF7 (interferon regulatory factor 7; minus strand). Cytogenetic location: 11p15.5.
Variant type: single nucleotide variant.
Coding change: c.376C>T on transcript NM_001572.5 (MANE Select); coding-DNA position 376, C replaced by T.
Protein change: p.Arg126Trp; replaces arginine 126 with tryptophan.
Molecular consequence: missense variant.
Genome position (GRCh38, 1-based): chr11:614,815, G>A on the plus strand (C>T on the coding strand, the complement: IRF7 is on the minus strand). VCF-style: chr11-614815-G-A. GRCh37 (hg19) VCF-style: chr11-614815-G-A.
Other names: c.376C>T, p.Arg126Trp (NM_004029.4); c.415C>T, p.Arg139Trp (NM_004031.4); short protein forms R126W, R139W.
Identifiers: ClinVar variation 2063375 (VCV002063375.4), dbSNP rs147835683, ClinGen allele CA216912800.